The following is an entry in ClinVar:

ClinVar aggregate classification (germline): Uncertain significance (1 of 4 stars; one submission).

Submission:

Women's Health and Genetics/Laboratory Corporation of America, LabCorp
Classification: Uncertain significance. Last evaluated: 2025-01-06. Review status: criteria provided, single submitter. Criteria: LabCorp Variant Classification Summary - May 2015. Collection method: clinical testing. Allele origin: germline.
Comment: Variant summary: GHSR c.1018T>C (p.Phe340Leu) results in a non-conservative amino acid change in the encoded protein sequence. Three of five in-silico tools predict a benign effect of the variant on protein function. The variant was absent in 251440 control chromosomes. The available data on variant occurrences in the general population are insufficient to allow any conclusion about variant significance. To our knowledge, no occurrence of c.1018T>C in individuals affected with Short Stature Due To Growth Hormone Secretagogue Receptor Deficiency and no experimental evidence demonstrating its impact on protein function have been reported. No submitters have cited clinical-significance assessments for this variant to ClinVar. Based on the evidence outlined above, the variant was classified as uncertain significance.

NM_198407.2(GHSR):c.1018T>C (p.Phe340Leu)

Gene: GHSR (growth hormone secretagogue receptor; minus strand). Cytogenetic location: 3q26.31.
Variant type: single nucleotide variant.
Coding change: c.1018T>C on transcript NM_198407.2 (MANE Select); coding-DNA position 1018, T replaced by C.
Protein change: p.Phe340Leu; replaces phenylalanine 340 with leucine.
Molecular consequence: missense variant.
Genome position (GRCh38, 1-based): chr3:172,445,244, A>G on the plus strand (T>C on the coding strand, the complement: GHSR is on the minus strand). VCF-style: chr3-172445244-A-G. GRCh37 (hg19) VCF-style: chr3-172163034-A-G.
Other names: short protein forms F340L.
Identifiers: ClinVar variation 3769262 (VCV003769262.2).